The following is an entry in ClinVar:

NM_001876.4(CPT1A):c.1163G>A (p.Arg388Lys)

Gene: CPT1A (carnitine palmitoyltransferase 1A; minus strand). Cytogenetic location: 11q13.3.
Variant type: single nucleotide variant.
Coding change: c.1163G>A on transcript NM_001876.4 (MANE Select); coding-DNA position 1163, G replaced by A.
Protein change: p.Arg388Lys; replaces arginine 388 with lysine.
Molecular consequence: missense variant.
Genome position (GRCh38, 1-based): chr11:68,784,815, C>T on the plus strand (G>A on the coding strand, the complement: CPT1A is on the minus strand). VCF-style: chr11-68784815-C-T. GRCh37 (hg19) VCF-style: chr11-68552283-C-T.
Other names: c.1163G>A, p.Arg388Lys (NM_001031847.3); short protein forms R388K.
Identifiers: ClinVar variation 3911978 (VCV003911978.2).
Genomic context (GRCh38, chr11:68,784,815, plus strand): 5'-CAGTGAGGAAGAGCGCCTCCACCACCCCCCAAAACAGGACAAGGGACCTAGGCTGCGCAC[C>T]TGTCTCCTGCGGTGAGGGCTGCCAGCCTGGCCTCCCCGGGCTGAGGCTCCGAGGTATTGT-3'
Protein context (NP_001867.2, residues 378-398): ARLAALTAGD[Arg388Lys]VPWARCRQAY

ClinVar aggregate classification (germline): Uncertain significance (1 of 4 stars; one submission).

Submission:

Women's Health and Genetics/Laboratory Corporation of America, LabCorp
Classification: Uncertain significance. Last evaluated: 2025-07-02. Review status: criteria provided, single submitter. Criteria: LabCorp Variant Classification Summary - May 2015. Collection method: clinical testing. Allele origin: germline.
Comment: Variant summary: CPT1A c.1163G>A (p.Arg388Lys) results in a conservative amino acid change in the encoded protein sequence. Algorithms developed to predict the effect of missense changes on protein structure and function are either unavailable or do not agree on the potential impact of this missense change. Several computational tools predict a significant impact on normal splicing: Two predict the variant abolishes a 5' splicing donor site. Two predict the variant weakens a 5' donor site. However, these predictions have yet to be confirmed by functional studies. The variant was absent in 245780 control chromosomes. The available data on variant occurrences in the general population are insufficient to allow any conclusion about variant significance. To our knowledge, no occurrence of c.1163G>A in individuals affected with Carnitine Palmitoyltransferase I Deficiency and no experimental evidence demonstrating its impact on protein function have been reported. No submitters have cited clinical-significance assessments for this variant to ClinVar. Based on the evidence outlined above, the variant was classified as uncertain significance.